The following is an entry in ClinVar:

NM_012199.5(AGO1):c.1784A>C (p.Asp595Ala)

Gene: AGO1 (argonaute RISC component 1; plus strand). Cytogenetic location: 1p34.3.
Variant type: single nucleotide variant.
Coding change: c.1784A>C on transcript NM_012199.5 (MANE Select); coding-DNA position 1784, A replaced by C.
Protein change: p.Asp595Ala; replaces aspartic acid 595 with alanine.
Molecular consequence: missense variant.
Genome position (GRCh38, 1-based): chr1:35,914,225, A>C. VCF-style: chr1-35914225-A-C. GRCh37 (hg19) VCF-style: chr1-36379826-A-C.
Other names: c.1784A>C, p.Asp595Ala (NM_001317122.2); c.1559A>C, p.Asp520Ala (NM_001317123.2); short protein forms D520A, D595A.
Identifiers: ClinVar variation 3345640 (VCV003345640.1).

ClinVar aggregate classification (germline): Uncertain significance (0 of 4 stars; one submission).

Conditions:
AGO1-related disorder. Also called: AGO1-related condition.

Submission:

PreventionGenetics, part of Exact Sciences
Classification: Uncertain significance for AGO1-related condition. Last evaluated: 2024-06-06. Review status: no assertion criteria provided. Collection method: clinical testing. Allele origin: germline.
Comment: The AGO1 c.1784A>C variant is predicted to result in the amino acid substitution p.Asp595Ala. To our knowledge, this variant has not been reported in the literature or in a large population database, indicating this variant is rare. At this time, the clinical significance of this variant is uncertain due to the absence of conclusive functional and genetic evidence.